The following is an entry in ClinVar:

NM_004360.5(CDH1):c.1759G>C (p.Asp587His)

Gene: CDH1 (cadherin 1; plus strand). Cytogenetic location: 16q22.1.
Variant type: single nucleotide variant.
Coding change: c.1759G>C on transcript NM_004360.5 (MANE Select); coding-DNA position 1759, G replaced by C.
Protein change: p.Asp587His; replaces aspartic acid 587 with histidine.
Molecular consequence: missense variant. On other transcripts: 5 prime UTR variant (1).
Genome position (GRCh38, 1-based): chr16:68,822,048, G>C. VCF-style: chr16-68822048-G-C. GRCh37 (hg19) VCF-style: chr16-68855951-G-C.
Other names: c.1576G>C, p.Asp526His (NM_001317184.2); c.211G>C, p.Asp71His (NM_001317185.2); c.-207G>C (NM_001317186.2); short protein forms D71H, D587H, D526H.
Identifiers: ClinVar variation 3723751 (VCV003723751.2).

ClinVar aggregate classification (germline): Uncertain significance (1 of 4 stars; one submission).

Conditions:
Hereditary diffuse gastric adenocarcinoma (HDGC). Also called: DIFFUSE GASTRIC AND LOBULAR BREAST CANCER SYNDROME. Identifiers: Orphanet 26106, MedGen C1708349, MONDO:0007648, OMIM 137215.

Submission:

Labcorp Genetics (formerly Invitae), Labcorp
Classification: Uncertain significance for Hereditary diffuse gastric adenocarcinoma. Last evaluated: 2024-10-24. Review status: criteria provided, single submitter. Criteria: Invitae Variant Classification Sherloc (09022015). Collection method: clinical testing. Allele origin: germline.
Comment: This sequence change replaces aspartic acid, which is acidic and polar, with histidine, which is basic and polar, at codon 587 of the CDH1 protein (p.Asp587His). This variant is not present in population databases (gnomAD no frequency). This variant has not been reported in the literature in individuals affected with CDH1-related conditions. An algorithm developed to predict the effect of missense changes on protein structure and function (PolyPhen-2) suggests that this variant is likely to be tolerated. In summary, the available evidence is currently insufficient to determine the role of this variant in disease. Therefore, it has been classified as a Variant of Uncertain Significance.